The following is an entry in ClinVar:

ClinVar aggregate classification (germline): Uncertain significance (1 of 4 stars; one submission).

Conditions:
Mucopolysaccharidosis type 7 (MPS7). Also called: MPS VII; BETA-GLUCURONIDASE DEFICIENCY; GUSB DEFICIENCY; SLY SYNDROME. Identifiers: Orphanet 584, MedGen C0085132, MONDO:0009662, OMIM 253220.

gnomAD v4.1: 1 of 1,614,186 alleles (0.000062%); no homozygotes.

Submission:

Labcorp Genetics (formerly Invitae), Labcorp
Classification: Uncertain significance for Mucopolysaccharidosis type 7. Last evaluated: 2024-03-11. Review status: criteria provided, single submitter. Criteria: Invitae Variant Classification Sherloc (09022015). Collection method: clinical testing. Allele origin: germline.
Comment: This sequence change replaces valine, which is neutral and non-polar, with methionine, which is neutral and non-polar, at codon 434 of the GUSB protein (p.Val434Met). This variant is present in population databases (no rsID available, gnomAD 0.003%). This variant has not been reported in the literature in individuals affected with GUSB-related conditions. Advanced modeling of protein sequence and biophysical properties (such as structural, functional, and spatial information, amino acid conservation, physicochemical variation, residue mobility, and thermodynamic stability) performed at Invitae indicates that this missense variant is not expected to disrupt GUSB protein function with a negative predictive value of 80%. In summary, the available evidence is currently insufficient to determine the role of this variant in disease. Therefore, it has been classified as a Variant of Uncertain Significance.

NM_000181.4(GUSB):c.1300G>A (p.Val434Met)

Gene: GUSB (glucuronidase beta; minus strand). Cytogenetic location: 7q11.21.
Variant type: single nucleotide variant.
Coding change: c.1300G>A on transcript NM_000181.4 (MANE Select); coding-DNA position 1300, G replaced by A.
Protein change: p.Val434Met; replaces valine 434 with methionine.
Molecular consequence: missense variant. On other transcripts: non-coding transcript variant (1).
Genome position (GRCh38, 1-based): chr7:65,974,386, C>T on the plus strand (G>A on the coding strand, the complement: GUSB is on the minus strand). VCF-style: chr7-65974386-C-T. GRCh37 (hg19) VCF-style: chr7-65439373-C-T.
Other names: c.862G>A, p.Val288Met (NM_001284290.2); c.730G>A, p.Val244Met (NM_001293104.2); c.643G>A, p.Val215Met (NM_001293105.2); short protein forms V244M, V288M, V215M, V434M.
Identifiers: ClinVar variation 2725837 (VCV002725837.3), dbSNP rs1471925349, ClinGen allele CA367643643.
Genomic context (GRCh38, chr7:65,974,386, plus strand): 5'-ACGCAGGCTCGTTGGCCACAGACCACATCACGACCGCGGGGTGGTTCTTGTCCCTACGCA[C>T]CACTTCTTCCATCACCTGCATGTGGTGATGCAGAGAAACGTTGTTGAAGAACTGCCTGCG-3'
Protein context (NP_000172.2, residues 424-444): HHHMQVMEEV[Val434Met]RRDKNHPAVV